The following is an entry in ClinVar:

ClinVar aggregate classification (germline): Uncertain significance (1 of 4 stars; one submission).

Conditions:
Combined oxidative phosphorylation deficiency. Identifiers: MedGen C4540031, MONDO:0000732.
Charcot-Marie-Tooth Neuropathy X. Identifiers: MedGen CN118851.

gnomAD v4.1: 1 of 1,211,803 alleles (0.000083%); highest among the groups gnomAD compares: African/African-American, 0.0017%; no homozygotes.

Submission:

Labcorp Genetics (formerly Invitae), Labcorp
Classification: Uncertain significance for Charcot-Marie-Tooth Neuropathy X; Combined oxidative phosphorylation deficiency. Last evaluated: 2024-06-03. Review status: criteria provided, single submitter. Criteria: Invitae Variant Classification Sherloc (09022015). Collection method: clinical testing. Allele origin: germline.
Comment: This sequence change replaces histidine, which is basic and polar, with arginine, which is basic and polar, at codon 43 of the AIFM1 protein (p.His43Arg). This variant is not present in population databases (gnomAD no frequency). This variant has not been reported in the literature in individuals affected with AIFM1-related conditions. Advanced modeling of protein sequence and biophysical properties (such as structural, functional, and spatial information, amino acid conservation, physicochemical variation, residue mobility, and thermodynamic stability) performed at Invitae indicates that this missense variant is not expected to disrupt AIFM1 protein function with a negative predictive value of 95%. In summary, the available evidence is currently insufficient to determine the role of this variant in disease. Therefore, it has been classified as a Variant of Uncertain Significance.

NM_004208.4(AIFM1):c.128A>G (p.His43Arg)

Genes: AIFM1 (apoptosis inducing factor mitochondria associated 1; minus strand), RAB33A (RAB33A, member RAS oncogene family; plus strand). Cytogenetic location: Xq26.1.
Variant type: single nucleotide variant.
Coding change: c.128A>G on transcript NM_004208.4 (MANE Select); coding-DNA position 128, A replaced by G.
Protein change: p.His43Arg; replaces histidine 43 with arginine.
Molecular consequence: missense variant. On other transcripts: intron variant (1).
Genome position (GRCh38, 1-based): chrX:130,156,582, T>C on the plus strand (A>G on the coding strand, the complement: AIFM1 is on the minus strand). VCF-style: chrX-130156582-T-C. GRCh37 (hg19) VCF-style: chrX-129290556-T-C.
Other names: c.128A>G, p.His43Arg (NM_001130847.4); c.107-1296A>G (NM_145812.3); short protein forms H43R.
Identifiers: ClinVar variation 3760895 (VCV003760895.2).